The following is an entry in ClinVar:

NM_001267550.2(TTN):c.1800+4A>G

Gene: TTN (titin; minus strand). Cytogenetic location: 2q31.2.
Variant type: single nucleotide variant.
Coding change: c.1800+4A>G on transcript NM_001267550.2 (MANE Select); 4 bases into the intron after coding-DNA position 1800, A replaced by G.
Molecular consequence: intron variant.
Genome position (GRCh38, 1-based): chr2:178,790,704, T>C on the plus strand (A>G on the coding strand, the complement: TTN is on the minus strand). VCF-style: chr2-178790704-T-C. GRCh37 (hg19) VCF-style: chr2-179655431-T-C.
Other names: c.1663-589A>G (NM_003319.4, NM_133437.4, NM_133432.3); c.1800+4A>G (NM_133378.4, NM_001256850.1, NM_133379.5).
Identifiers: ClinVar variation 1404504 (VCV001404504.3), dbSNP rs998572909, ClinGen allele CA60984211.

ClinVar aggregate classification (germline): Uncertain significance (1 of 4 stars; one submission).

Conditions:
Autosomal recessive limb-girdle muscular dystrophy type 2J (LGMDR10). Also called: MUSCULAR DYSTROPHY, LIMB-GIRDLE, AUTOSOMAL RECESSIVE 10; Limb-girdle muscular dystrophy, type 2J. Identifiers: Orphanet 140922, MedGen C1837342, MONDO:0012127, OMIM 608807.
Dilated cardiomyopathy 1G (CMD1G). Identifiers: Orphanet 154, MedGen C1858763, MONDO:0011400, OMIM 604145.

Allele frequency attached by ClinVar (database versions not stated): TOPMed below 0.00001; gnomAD 0.00001.
gnomAD v4.1: 1 of 1,613,998 alleles (0.000062%); highest among the groups gnomAD compares: Non-Finnish European, 0.000085%; no homozygotes.

Submission:

Labcorp Genetics (formerly Invitae), Labcorp
Classification: Uncertain significance for Dilated cardiomyopathy 1G; Autosomal recessive limb-girdle muscular dystrophy type 2J. Last evaluated: 2022-09-03. Review status: criteria provided, single submitter. Criteria: Invitae Variant Classification Sherloc (09022015). Collection method: clinical testing. Allele origin: germline.
Comment: This sequence change falls in intron 11 of the TTN gene. It does not directly change the encoded amino acid sequence of the TTN protein. It affects a nucleotide within the consensus splice site. This variant is not present in population databases (gnomAD no frequency). This variant has not been reported in the literature in individuals affected with TTN-related conditions. ClinVar contains an entry for this variant (Variation ID: 1404504). Variants that disrupt the consensus splice site are a relatively common cause of aberrant splicing (PMID: 17576681, 9536098). Algorithms developed to predict the effect of sequence changes on RNA splicing suggest that this variant may disrupt the consensus splice site. This variant is located in the Z band of TTN (PMID: 25589632). Variants in this region may be clinically relevant, but have not been definitively shown to cause cardiomyopathy or neuromuscular disease (PMID: 27493940, 32778822). In summary, the available evidence is currently insufficient to determine the role of this variant in disease. Therefore, it has been classified as a Variant of Uncertain Significance.

Literature cited by the submitters: PubMed 17576681; PubMed 9536098; PubMed 25589632; PubMed 27493940; PubMed 32778822.